The following is an entry in ClinVar:

NM_001289104.2(PRKCSH):c.372_375del (p.Arg124fs)

Gene: PRKCSH (PRKCSH beta subunit of glucosidase II; plus strand). Cytogenetic location: 19p13.2.
Variant type: Microsatellite.
Coding change: c.372_375del on transcript NM_001289104.2 (MANE Select); coding-DNA positions 372 to 375, 4 bases deleted (AGAG; older notation c.372_375delAGAG).
Protein change: p.Arg124fs; shifts the reading frame from arginine 124.
Molecular consequence: frameshift variant.
Genome position (GRCh38, 1-based): chr19:11,441,261-11,441,264, AGAG deleted; deleting any 4 consecutive bases within chr19:11,441,256-11,441,264 gives the same sequence; the c. name uses the placement nearest the transcript's 3' end. VCF-style (leftmost placement, unchanged base first): chr19-11441255-GGAGA-G. GRCh37 (hg19) VCF-style: chr19-11552070-GGAGA-G.
Other names: c.372_375del, p.Arg124fs (NM_001001329.3, NM_001289102.2, NM_001289103.2 and 3 more transcripts); short protein forms R124fs.
Identifiers: ClinVar variation 1994589 (VCV001994589.6), dbSNP rs779685748, ClinGen allele CA2580613059.

ClinVar aggregate classification (germline): Pathogenic/Likely pathogenic. Review status: criteria provided, multiple submitters, no conflicts (2 of 4 stars). 3 submissions from 3 submitters: Pathogenic (2); Likely pathogenic (1). Last evaluated 2025-08-09.

Conditions:
PRKCSH-related disorder. Also called: PRKCSH-related condition.
Polycystic liver disease 1 (PCLD1). Also called: Polycystic liver disease 1 with or without kidney cysts. Identifiers: Orphanet 2924, MedGen C0887850, MONDO:0008265, OMIM 174050.

Submissions (3):

Labcorp Genetics (formerly Invitae), Labcorp
Classification: Pathogenic. Last evaluated: 2025-08-09. Review status: criteria provided, single submitter. Criteria: Invitae Variant Classification Sherloc (09022015). Collection method: clinical testing. Allele origin: germline.
Comment: This sequence change creates a premature translational stop signal (p.Arg124Serfs*16) in the PRKCSH gene. It is expected to result in an absent or disrupted protein product. Loss-of-function variants in PRKCSH are known to be pathogenic (PMID: 12529853, 12577059, 20095989). This variant is not present in population databases (gnomAD no frequency). This variant has not been reported in the literature in individuals affected with PRKCSH-related conditions. ClinVar contains an entry for this variant (Variation ID: 1994589). For these reasons, this variant has been classified as Pathogenic.

Institute of Human Genetics, University of Leipzig Medical Center
Classification: Pathogenic for Polycystic liver disease 1. Last evaluated: 2025-03-12. Review status: criteria provided, single submitter. Criteria: ACMG Guidelines, 2015. Collection method: clinical testing. Allele origin: unknown. Inheritance: Autosomal dominant inheritance. Affected: yes.
Comment: Criteria applied: PVS1,PM2,PS4_SUP

Blueprint Genetics
Classification: Likely pathogenic for PRKCSH-related disorders. Last evaluated: 2024-07-12. Review status: criteria provided, single submitter. Criteria: ACMG Guidelines, 2015. Collection method: clinical testing. Allele origin: germline. Affected: yes. Observed: 1 variant allele.

Literature cited by the submitters: PubMed 12529853 (cited by Labcorp Genetics (formerly Invitae), Labcorp); PubMed 12577059 (cited by Labcorp Genetics (formerly Invitae), Labcorp); PubMed 20095989 (cited by Labcorp Genetics (formerly Invitae), Labcorp).